The following is an entry in ClinVar:

ClinVar aggregate classification (germline): Likely benign (1 of 4 stars; one submission).

Allele frequency attached by ClinVar (database versions not stated): ExAC 0.00003; TOPMed 0.00012; gnomAD 0.00017.
gnomAD v4.1: 327 of 1,613,890 alleles (0.02%); highest among the groups gnomAD compares: Non-Finnish European, 0.025%; no homozygotes.

Submission:

CeGaT Center for Human Genetics Tuebingen
Classification: Likely benign. Last evaluated: 2022-12-01. Review status: criteria provided, single submitter. Criteria: CeGaT Center For Human Genetics Tuebingen Variant Classification Criteria Version 2. Collection method: clinical testing. Allele origin: germline. Affected: yes. Observed: 1 variant allele.
Comment: ROBO3: BP4, BP7

NM_022370.4(ROBO3):c.744G>A (p.Ala248=)

Gene: ROBO3 (roundabout guidance receptor 3; plus strand). Cytogenetic location: 11q24.2.
Variant type: single nucleotide variant.
Coding change: c.744G>A on transcript NM_022370.4 (MANE Select); coding-DNA position 744, G replaced by A.
Protein change: p.Ala248=; no amino-acid change (alanine 248 retained).
Molecular consequence: synonymous variant.
Genome position (GRCh38, 1-based): chr11:124,870,046, G>A. VCF-style: chr11-124870046-G-A. GRCh37 (hg19) VCF-style: chr11-124739942-G-A.
Identifiers: ClinVar variation 2642499 (VCV002642499.24), dbSNP rs777436634, ClinGen allele CA6343259.